The following is an entry in ClinVar:

ClinVar aggregate classification (germline): Benign/Likely benign. Review status: criteria provided, multiple submitters, no conflicts (2 of 4 stars). 3 submissions from 3 submitters: Benign (1); Likely benign (2). Last evaluated 2025-05-21.

Conditions:
Hereditary cancer-predisposing syndrome. Also called: Tumor predisposition; Neoplastic Syndromes, Hereditary; Hereditary neoplastic syndrome; Hereditary Cancer Syndrome. Identifiers: Orphanet 140162, MedGen C0027672, MeSH D009386, MONDO:0015356.
Familial cancer of breast. Also called: Hereditary breast cancer; hereditary breast carcinoma; BREAST CANCER, FAMILIAL. Identifiers: Orphanet 227535, MedGen C0346153, MONDO:0016419, OMIM 114480. Disease mechanism: loss of function.
Ataxia-telangiectasia syndrome (AT). Also called: Ataxia-telangiectasia, complementation group D; AT, COMPLEMENTATION GROUP C; ATAXIA-TELANGIECTASIA, COMPLEMENTATION GROUP A; ATAXIA-TELANGIECTASIA, FRESNO VARIANT; Ataxia-telangiectasia; Ataxia telangiectasia (A-T). Identifiers: Orphanet 100, MedGen C0004135, MONDO:0008840, OMIM 208900.

Submissions (3):

Labcorp Genetics (formerly Invitae), Labcorp
Classification: Likely benign for Ataxia-telangiectasia syndrome. Last evaluated: 2025-05-21. Review status: criteria provided, single submitter. Criteria: Invitae Variant Classification Sherloc (09022015). Collection method: clinical testing. Allele origin: germline.

Myriad Genetics, Inc.
Classification: Benign for Familial cancer of breast. Last evaluated: 2024-06-20. Review status: criteria provided, single submitter. Criteria: Myriad Autosomal Dominant, Autosomal Recessive and X-Linked Classification Criteria (2023). Collection method: clinical testing. Allele origin: unknown.
Comment: This variant is considered benign. This variant is a silent/synonymous amino acid change and it is not expected to impact splicing.

Color Diagnostics, LLC DBA Color Health
Classification: Likely benign for Hereditary cancer-predisposing syndrome. Last evaluated: 2019-05-28. Review status: criteria provided, single submitter. Criteria: ACMG Guidelines, 2015. Collection method: clinical testing. Allele origin: germline.

NM_000051.4(ATM):c.8430A>G (p.Lys2810=)

Genes: ATM (ATM serine/threonine kinase; plus strand), C11orf65 (chromosome 11 open reading frame 65; minus strand). Cytogenetic location: 11q22.3.
Variant type: single nucleotide variant.
Coding change: c.8430A>G on transcript NM_000051.4 (MANE Select); coding-DNA position 8430, A replaced by G.
Protein change: p.Lys2810=; no amino-acid change (lysine 2810 retained).
Molecular consequence: synonymous variant. On other transcripts: intron variant (2).
Genome position (GRCh38, 1-based): chr11:108,345,754, A>G. VCF-style: chr11-108345754-A-G. GRCh37 (hg19) VCF-style: chr11-108216481-A-G.
Other names: c.8430A>G, p.Lys2810= (NM_001351834.2); c.641-36683T>C (NM_001330368.2); c.695-10462T>C (NM_001351110.2).
Identifiers: ClinVar variation 918848 (VCV000918848.5), dbSNP rs2088266802, ClinGen allele CA476673061.